The following is an entry in ClinVar:

NM_001040616.3(LINS1):c.1169T>C (p.Met390Thr)

Gene: LINS1 (lines homolog 1; minus strand). Cytogenetic location: 15q26.3.
Variant type: single nucleotide variant.
Coding change: c.1169T>C on transcript NM_001040616.3 (MANE Select); coding-DNA position 1169, T replaced by C.
Protein change: p.Met390Thr; replaces methionine 390 with threonine.
Molecular consequence: missense variant. On other transcripts: non-coding transcript variant (3).
Genome position (GRCh38, 1-based): chr15:100,573,704, A>G on the plus strand (T>C on the coding strand, the complement: LINS1 is on the minus strand). VCF-style: chr15-100573704-A-G. GRCh37 (hg19) VCF-style: chr15-101113909-A-G.
Other names: c.422T>C, p.Met141Thr (NM_001352507.2); c.1124T>C, p.Met375Thr (NM_001352508.2); short protein forms M390T, M141T, M375T.
Identifiers: ClinVar variation 588805 (VCV000588805.5), dbSNP rs765705767, ClinGen allele CA7759517.
Genomic context (GRCh38, chr15:100,573,704, plus strand): 5'-GAATTACCTTTCACTTCACTTGCTGAAGAATAATTTTGAAACTTGATTTCTAAGGATTTC[A>G]TTATAACTAAGCTTGCTGCTCTAAGGATCACATGATCTGGACTAGTGATAAGTTCACATT-3'
Protein context (NP_001035706.2, residues 380-400): VILRAASLVI[Met390Thr]KSLEIKFQNY

ClinVar aggregate classification (germline): Uncertain significance (1 of 4 stars; one submission).

Conditions:
Inborn genetic diseases. Identifiers: MedGen C0950123, MeSH D030342.

Allele frequency attached by ClinVar (database versions not stated): ExAC 0.00002; TOPMed 0.00003; gnomAD 0.00001; gnomAD exomes 0.00002.
gnomAD v4.1: 25 of 1,612,098 alleles (0.0016%); highest among the groups gnomAD compares: African/African-American, 0.0027%; no homozygotes.

Submission:

Ambry Genetics
Classification: Uncertain significance for Inborn genetic diseases. Last evaluated: 2017-02-15. Review status: criteria provided, single submitter. Criteria: Ambry Variant Classification Scheme 2023. Collection method: clinical testing. Allele origin: germline.
Comment: The p.M390T variant (also known as c.1169T>C), located in coding exon 4 of the LINS gene, results from a T to C substitution at nucleotide position 1169. The methionine at codon 390 is replaced by threonine, an amino acid with similar properties. This amino acid position is not well conserved in available vertebrate species. In addition, this alteration is predicted to be tolerated by in silico analysis. Since supporting evidence is limited at this time, the clinical significance of this alteration remains unclear.